The following is an entry in ClinVar:

ClinVar aggregate classification (germline): Uncertain significance (1 of 4 stars; one submission).

Allele frequency attached by ClinVar (database versions not stated): TOPMed below 0.00001; gnomAD 0.00001.
gnomAD v4.1: 11 of 1,614,094 alleles (0.00068%); highest among the groups gnomAD compares: East Asian, 0.0022%; no homozygotes.

Submission:

Labcorp Genetics (formerly Invitae), Labcorp
Classification: Uncertain significance. Last evaluated: 2022-01-26. Review status: criteria provided, single submitter. Criteria: Invitae Variant Classification Sherloc (09022015). Collection method: clinical testing. Allele origin: germline.
Comment: This sequence change replaces glutamic acid, which is acidic and polar, with lysine, which is basic and polar, at codon 604 of the MYH3 protein (p.Glu604Lys). This variant is present in population databases (no rsID available, gnomAD 0.01%). In summary, the available evidence is currently insufficient to determine the role of this variant in disease. Therefore, it has been classified as a Variant of Uncertain Significance. Algorithms developed to predict the effect of missense changes on protein structure and function (SIFT, PolyPhen-2, Align-GVGD) all suggest that this variant is likely to be disruptive. This variant has not been reported in the literature in individuals affected with MYH3-related conditions.

NM_002470.4(MYH3):c.1810G>A (p.Glu604Lys)

Gene: MYH3 (myosin heavy chain 3; minus strand). Cytogenetic location: 17p13.1.
Variant type: single nucleotide variant.
Coding change: c.1810G>A on transcript NM_002470.4 (MANE Select); coding-DNA position 1810, G replaced by A.
Protein change: p.Glu604Lys; replaces glutamic acid 604 with lysine.
Molecular consequence: missense variant.
Genome position (GRCh38, 1-based): chr17:10,642,495, C>T on the plus strand (G>A on the coding strand, the complement: MYH3 is on the minus strand). VCF-style: chr17-10642495-C-T. GRCh37 (hg19) VCF-style: chr17-10545812-C-T.
Other names: short protein forms E604K.
Identifiers: ClinVar variation 2089668 (VCV002089668.4), dbSNP rs369547729, ClinGen allele CA398170936.